The following is an entry in ClinVar:

ClinVar aggregate classification (germline): Benign. Review status: criteria provided, multiple submitters, no conflicts (2 of 4 stars). 2 submissions from 2 submitters: Benign (2). Last evaluated 2016-03-28.

Allele frequency attached by ClinVar (database versions not stated): TOPMed 0.99651; 1000 Genomes Project 30x 0.99688; gnomAD 0.99701 and 0.99720; gnomAD exomes 0.99973.

Submissions (2):

Laboratory for Molecular Medicine, Mass General Brigham Personalized Medicine
Classification: Benign. Last evaluated: 2016-03-28. Review status: criteria provided, single submitter. Criteria: LMM Criteria. Collection method: clinical testing. Allele origin: germline.
Comment: Variant identified in a genome or exome case(s) and assessed due to predicted null impact of the variant or pathogenic assertions in the literature or databases. Disclaimer: This variant has not undergone full assessment. The following are preliminary notes: Frequency in 1000Genomes: 2172/2178=99.7%

Breakthrough Genomics
Classification: Benign. Review status: criteria provided, single submitter. Criteria: ACMG Guidelines, 2015. Collection method: not provided. Allele origin: germline. Inheritance: Unknown mechanism. Affected: yes.

NC_000011.10:g.104890373=

Gene: CASP12 (caspase 12 (gene/pseudogene); minus strand). Cytogenetic location: 11q22.3.
Variant type: single nucleotide variant.
Genome position: GRCh38 VCF-style: chr11-104890373-C-C. GRCh37 (hg19) VCF-style: chr11-104761100-T-C.
Identifiers: ClinVar variation 402491 (VCV000402491.5), dbSNP rs513131.
Genomic context (GRCh38, chr11:104,890,373, plus strand): 5'-AAGCCTACTATCTAGAAACCTACTAAGAAATTTAGAAATTATTCTCTCTGAAATCACTTA[C=]GTGGTGTGGAAGATTTGAAAGCAATGAAGTCCTTTTCCACATGAGCCTTTGTAACAGCAT-3'